The following is an entry in ClinVar:

ClinVar aggregate classification (germline): Uncertain significance (1 of 4 stars; one submission).

Conditions:
Progressive sclerosing poliodystrophy (MTDPS4A). Also called: Mitochondrial DNA depletion syndrome 4A (Alpers type); ALPERS PROGRESSIVE INFANTILE POLIODYSTROPHY; NEURONAL DEGENERATION OF CHILDHOOD WITH LIVER DISEASE, PROGRESSIVE; Mitochondrial DNA Depletion Syndrome 4A; Alpers-Huttenlocher Syndrome (AHS); Alpers Syndrome. Identifiers: Orphanet 726, MedGen C0205710, MONDO:0008758, OMIM 203700.

Submission:

Labcorp Genetics (formerly Invitae), Labcorp
Classification: Uncertain significance for Progressive sclerosing poliodystrophy. Last evaluated: 2021-03-24. Review status: criteria provided, single submitter. Criteria: Invitae Variant Classification Sherloc (09022015). Collection method: clinical testing. Allele origin: germline.
Comment: In summary, the available evidence is currently insufficient to determine the role of this variant in disease. Therefore, it has been classified as a Variant of Uncertain Significance. Algorithms developed to predict the effect of missense changes on protein structure and function (SIFT, PolyPhen-2, Align-GVGD) all suggest that this variant is likely to be tolerated, but these predictions have not been confirmed by published functional studies and their clinical significance is uncertain. This variant has not been reported in the literature in individuals with POLG-related conditions. This variant is not present in population databases (ExAC no frequency). This sequence change replaces leucine with valine at codon 661 of the POLG protein (p.Leu661Val). The leucine residue is moderately conserved and there is a small physicochemical difference between leucine and valine.

NM_002693.3(POLG):c.1981C>G (p.Leu661Val)

Gene: POLG (DNA polymerase gamma, catalytic subunit; minus strand). Cytogenetic location: 15q26.1.
Variant type: single nucleotide variant.
Coding change: c.1981C>G on transcript NM_002693.3 (MANE Select); coding-DNA position 1981, C replaced by G.
Protein change: p.Leu661Val; replaces leucine 661 with valine.
Molecular consequence: missense variant.
Genome position (GRCh38, 1-based): chr15:89,324,196, G>C on the plus strand (C>G on the coding strand, the complement: POLG is on the minus strand). VCF-style: chr15-89324196-G-C. GRCh37 (hg19) VCF-style: chr15-89867427-G-C.
Other names: c.1981C>G, p.Leu661Val (NM_001126131.2); short protein forms L661V.
Identifiers: ClinVar variation 1475389 (VCV001475389.8), dbSNP rs2152063439, ClinGen allele CA393757778.